The following is an entry in ClinVar:

NM_032578.4(MYPN):c.3817C>A (p.Pro1273Thr)

Gene: MYPN (myopalladin; plus strand). Cytogenetic location: 10q21.3.
Variant type: single nucleotide variant.
Coding change: c.3817C>A on transcript NM_032578.4 (MANE Select); coding-DNA position 3817, C replaced by A.
Protein change: p.Pro1273Thr; replaces proline 1273 with threonine.
Molecular consequence: missense variant. On other transcripts: non-coding transcript variant (2).
Genome position (GRCh38, 1-based): chr10:68,210,309, C>A. VCF-style: chr10-68210309-C-A. GRCh37 (hg19) VCF-style: chr10-69970066-C-A.
Other names: c.3817C>A, p.Pro1273Thr (NM_001256267.2); c.2935C>A, p.Pro979Thr (NM_001256268.2); short protein forms P1273T, P979T.
Identifiers: ClinVar variation 3602423 (VCV003602423.1).
Genomic context (GRCh38, chr10:68,210,309, plus strand): 5'-CCTTTGATCATAACACATTATTTGGTCCATTTTCCAGCTCAGTGGCACCATCAGATCCCA[C>A]CGCCCATGTCTGTCCGGCCCAGTGGCAGTCGCTACGGATCTCTCACCAGTAAAGGACTTG-3'
Protein context (NP_115967.2, residues 1263-1283): IYAQWHHQIP[Pro1273Thr]PMSVRPSGSR

ClinVar aggregate classification (germline): Uncertain significance (1 of 4 stars; one submission).

gnomAD v4.1: 18 of 1,613,836 alleles (0.0011%); highest among the groups gnomAD compares: Non-Finnish European, 0.0015%; no homozygotes.

Submission:

GeneDx
Classification: Uncertain significance. Last evaluated: 2024-07-30. Review status: criteria provided, single submitter. Criteria: GeneDx Variant Classification Process June 2021. Collection method: clinical testing. Allele origin: germline. Affected: yes.
Comment: Not observed at significant frequency in large population cohorts (gnomAD); In silico analysis indicates that this missense variant does not alter protein structure/function; Has not been previously published as pathogenic or benign to our knowledge